The following is an entry in ClinVar:

ClinVar aggregate classification (germline): Likely benign. Review status: criteria provided, multiple submitters, no conflicts (2 of 4 stars). 2 submissions from 2 submitters: Likely benign (2). Last evaluated 2026-01-25.

Conditions:
Mucopolysaccharidosis, MPS-III-C (MPS3C). Also called: MPS III C; Mucopolysaccharidosis type IIIC (Sanfilippo C); SANFILIPPO SYNDROME C; MUCOPOLYSACCHARIDOSIS, TYPE IIIC; mucopolysaccharidosis type 3C; MPS IIIC (Sanfilippo Syndrome Type C). Identifiers: Orphanet 581, Orphanet 79271, MedGen C0086649, MONDO:0009657, OMIM 252930.
Retinitis pigmentosa 73 (RP73). Identifiers: Orphanet 791, MedGen C4225287, MONDO:0014687, OMIM 616544.
HGSNAT-related disorder. Also called: HGSNAT-related condition.

Submissions (2):

Labcorp Genetics (formerly Invitae), Labcorp
Classification: Likely benign for Retinitis pigmentosa 73; Mucopolysaccharidosis, MPS-III-C. Last evaluated: 2026-01-25. Review status: criteria provided, single submitter. Criteria: Invitae Variant Classification Sherloc (09022015). Collection method: clinical testing. Allele origin: germline.

PreventionGenetics, part of Exact Sciences
Classification: Likely benign for HGSNAT-related condition. Last evaluated: 2025-12-28. Review status: criteria provided, single submitter. Criteria: ACMG Guidelines, 2015. Collection method: clinical testing. Allele origin: germline.
Comment: This variant is classified as likely benign based on ACMG/AMP sequence variant interpretation guidelines (Richards et al. 2015 PMID: 25741868, with internal and published modifications).

NM_152419.3(HGSNAT):c.744-5_744-3del

Gene: HGSNAT (heparan-alpha-glucosaminide N-acetyltransferase; plus strand). Cytogenetic location: 8p11.21.
Variant type: Microsatellite.
Coding change: c.744-5_744-3del on transcript NM_152419.3 (MANE Select); 5 bases into the intron before coding-DNA position 744 through 3 bases into the intron before coding-DNA position 744, 3 bases deleted (TCT; older notation c.744-5_744-3delTCT).
Molecular consequence: intron variant.
Genome position (GRCh38, 1-based): chr8:43,172,305-43,172,307, TCT deleted; deleting any 3 consecutive bases within chr8:43,172,300-43,172,307 gives the same sequence; the c. name uses the placement nearest the transcript's 3' end. VCF-style (leftmost placement, unchanged base first): chr8-43172299-GCTT-G. GRCh37 (hg19) VCF-style: chr8-43027442-GCTT-G.
Other names: c.744-5_744-3delTCT (NM_152419.2); c.744-5_744-3del (NM_001363227.2, NM_001363228.2); c.-90-5_-90-3del (NM_001363229.2).
Identifiers: ClinVar variation 1150398 (VCV001150398.8), dbSNP rs776162529, ClinGen allele CA4736617.
Genomic context (GRCh38, chr8:43,172,299, plus strand): 5'-GTGTCTTCAGTTCAGCCCTTCCTTTTCACATAGCAAACCCTGAAAGGCTTCTCTTTGTTG[GCTT>G]CTTCTAGGATTGCTCTTATACTCATGGTCTTTGTCAATTATGGAGGAGGAAAATATTGGT-3'